The following is an entry in ClinVar:

NM_007373.4(SHOC2):c.598C>T (p.Arg200Cys)

Gene: SHOC2 (SHOC2 leucine rich repeat scaffold protein; plus strand). Cytogenetic location: 10q25.2.
Variant type: single nucleotide variant.
Coding change: c.598C>T on transcript NM_007373.4 (MANE Select); coding-DNA position 598, C replaced by T.
Protein change: p.Arg200Cys; replaces arginine 200 with cysteine.
Molecular consequence: missense variant.
Genome position (GRCh38, 1-based): chr10:110,964,956, C>T. VCF-style: chr10-110964956-C-T. GRCh37 (hg19) VCF-style: chr10-112724714-C-T.
Other names: c.598C>T, p.Arg200Cys (NM_001269039.3, NM_001324336.2, NM_001324337.2); short protein forms R200C.
Identifiers: ClinVar variation 2431919 (VCV002431919.1), dbSNP rs2493840265, ClinGen allele CA378386235.

ClinVar aggregate classification (germline): Uncertain significance (1 of 4 stars; one submission).

Conditions:
Noonan syndrome-like disorder with loose anagen hair 1 (NSLH1). Also called: TOSTI SYNDROME; MAZZANTI SYNDROME. Identifiers: Orphanet 2701, MedGen C4478716, MONDO:0054637, OMIM 607721.

Submission:

Laboratorio de Genetica e Diagnostico Molecular, Hospital Israelita Albert Einstein
Classification: Uncertain significance for Noonan syndrome-like disorder with loose anagen hair 1. Last evaluated: 2022-11-11. Review status: criteria provided, single submitter. Criteria: ACMG Guidelines, 2015. Collection method: clinical testing. Allele origin: germline. Affected: yes. Observed: 1 variant allele.
Comment: ACMG classification criteria: PM2 moderated, PP2 supporting, BP4 supporting